The following is an entry in ClinVar:

NM_133259.4(LRPPRC):c.1589_1593del (p.Ser530fs)

Genes: LRPPRC (leucine rich pentatricopeptide repeat containing; minus strand), LOC129388857 (MPRA-validated peak3685 silencer; plus strand). Cytogenetic location: 2p21.
Variant type: Deletion.
Coding change: c.1589_1593del on transcript NM_133259.4 (MANE Select); coding-DNA positions 1589 to 1593, 5 bases deleted (CAAAT; older notation c.1589_1593delCAAAT).
Protein change: p.Ser530fs; shifts the reading frame from serine 530.
Molecular consequence: frameshift variant.
Genome position (GRCh38, 1-based): chr2:43,957,441-43,957,445, ATTTG deleted on the plus strand (CAAAT on the coding strand, the reverse complement: LRPPRC is on the minus strand); deleting any 5 consecutive bases within chr2:43,957,441-43,957,449 gives the same sequence; the c. name uses the placement nearest the transcript's 3' end. VCF-style (leftmost placement, unchanged base first): chr2-43957440-TATTTG-T. GRCh37 (hg19) VCF-style: chr2-44184579-TATTTG-T.
Other names: short protein forms S530fs.
Identifiers: ClinVar variation 4850802 (VCV004850802.1).

ClinVar aggregate classification (germline): Likely pathogenic (1 of 4 stars; one submission).

Conditions:
Congenital lactic acidosis, Saguenay-Lac-Saint-Jean type (MC4DN5). Also called: CYTOCHROME c OXIDASE DEFICIENCY, FRENCH CANADIAN TYPE; COX DEFICIENCY, FRENCH CANADIAN TYPE; MITOCHONDRIAL COMPLEX IV DEFICIENCY, NUCLEAR TYPE 5. Identifiers: Orphanet 70472, MedGen C1857355, MONDO:0009069, OMIM 220111.

Submission:

Variantyx, Inc.
Classification: Likely pathogenic for Congenital lactic acidosis, Saguenay-Lac-Saint-Jean type. Last evaluated: 2025-07-09. Review status: criteria provided, single submitter. Criteria: Variantyx Assertion Criteria 2022. Collection method: clinical testing. Allele origin: germline. Inheritance: Autosomal recessive inheritance. Affected: no.
Comment: This is a frameshift variant in the LRPPRC gene (OMIM: 607544). Pathogenic variants in this gene have been associated with autosomal recessive nuclear type 5 mitochondrial complex IV deficiency. This variant introduces a premature termination codon in exon 14 out of 38 and is expected to result in loss of function, which is a known disease mechanism for LRPPRC in this disorder (PVS1) (PMID:26510951). This variant is absent from control populations (PM2) and it has not been reported in individuals with LRPPRC-related disorders in the databases available for review. Based on the current evidence, this variant is classified as likely pathogenic for autosomal recessive nuclear type 5 mitochondrial complex IV deficiency.No other variant of clinical significance was identified in the LRPPRC gene.

Literature cited by the submitters: PubMed 26510951.